The following is an entry in ClinVar:

ClinVar aggregate classification (germline): Likely pathogenic (0 of 4 stars; one submission).

Conditions:
FYCO1-related disorder. Also called: FYCO1-related condition.

Submission:

PreventionGenetics, part of Exact Sciences
Classification: Likely pathogenic for FYCO1-related condition. Last evaluated: 2024-01-03. Review status: no assertion criteria provided. Collection method: clinical testing. Allele origin: germline.
Comment: The FYCO1 c.1990G>T variant is predicted to result in premature protein termination (p.Glu664*). To our knowledge, this variant has not been reported in the literature or in a large population database, indicating this variant is rare. Nonsense variants in FYCO1 are expected to be pathogenic. This variant is interpreted as likely pathogenic.

NM_024513.4(FYCO1):c.1990G>T (p.Glu664Ter)

Gene: FYCO1 (FYVE and coiled-coil domain autophagy adaptor 1; minus strand). Cytogenetic location: 3p21.31.
Variant type: single nucleotide variant.
Coding change: c.1990G>T on transcript NM_024513.4 (MANE Select); coding-DNA position 1990, G replaced by T.
Protein change: p.Glu664Ter; replaces glutamic acid 664 with a stop codon.
Molecular consequence: nonsense. On other transcripts: non-coding transcript variant (1).
Genome position (GRCh38, 1-based): chr3:45,967,344, C>A on the plus strand (G>T on the coding strand, the complement: FYCO1 is on the minus strand). VCF-style: chr3-45967344-C-A. GRCh37 (hg19) VCF-style: chr3-46008836-C-A.
Other names: c.1990G>T, p.Glu664Ter (NM_001386421.1, NM_001386422.1, NM_001386423.1 and 4 more transcripts); c.1870G>T, p.Glu624Ter (NM_001386426.1); c.1846G>T, p.Glu616Ter (NM_001386427.1); c.1390G>T, p.Glu464Ter (NM_001386430.1); short protein forms E464*, E616*, E624*, E664*.
Identifiers: ClinVar variation 3054988 (VCV003054988.2), dbSNP rs2528977475, ClinGen allele CA352459495.